The following is an entry in ClinVar:

ClinVar aggregate classification (germline): Uncertain significance. Review status: criteria provided, multiple submitters, no conflicts (2 of 4 stars). 2 submissions from 2 submitters: Uncertain significance (2). Last evaluated 2025-12-23.

Conditions:
Inborn genetic diseases. Identifiers: MedGen C0950123, MeSH D030342.
Fanconi anemia (FA). Also called: Fanconi's anemia. Identifiers: Orphanet 84, MedGen C0015625, MeSH D005199, MONDO:0019391.

gnomAD v4.1: 11 of 1,614,088 alleles (0.00068%); highest among the groups gnomAD compares: Non-Finnish European, 0.00093%; no homozygotes.

Submissions (2):

Labcorp Genetics (formerly Invitae), Labcorp
Classification: Uncertain significance for Fanconi anemia. Last evaluated: 2025-12-23. Review status: criteria provided, single submitter. Criteria: Invitae Variant Classification Sherloc (09022015). Collection method: clinical testing. Allele origin: germline.
Comment: This sequence change replaces glutamic acid, which is acidic and polar, with glutamine, which is neutral and polar, at codon 167 of the SLX4 protein (p.Glu167Gln). This variant is present in population databases (no rsID available, gnomAD 0.01%). This variant has not been reported in the literature in individuals affected with SLX4-related conditions. ClinVar contains an entry for this variant (Variation ID: 3320608). An algorithm developed to predict the effect of missense changes on protein structure and function outputs the following: PolyPhen-2: "Benign". The glutamine amino acid residue is found in multiple mammalian species, which suggests that this missense change does not adversely affect protein function. In summary, the available evidence is currently insufficient to determine the role of this variant in disease. Therefore, it has been classified as a Variant of Uncertain Significance.

Ambry Genetics
Classification: Uncertain significance for Inborn genetic diseases. Last evaluated: 2024-06-02. Review status: criteria provided, single submitter. Criteria: Ambry Variant Classification Scheme 2023. Collection method: clinical testing. Allele origin: germline.

NM_032444.4(SLX4):c.499G>C (p.Glu167Gln)

Gene: SLX4 (SLX4 structure-specific endonuclease subunit; minus strand). Cytogenetic location: 16p13.3.
Variant type: single nucleotide variant.
Coding change: c.499G>C on transcript NM_032444.4 (MANE Select); coding-DNA position 499, G replaced by C.
Protein change: p.Glu167Gln; replaces glutamic acid 167 with glutamine.
Molecular consequence: missense variant.
Genome position (GRCh38, 1-based): chr16:3,608,466, C>G on the plus strand (G>C on the coding strand, the complement: SLX4 is on the minus strand). VCF-style: chr16-3608466-C-G. GRCh37 (hg19) VCF-style: chr16-3658467-C-G.
Other names: short protein forms E167Q.
Identifiers: ClinVar variation 3320608 (VCV003320608.2).